The following is an entry in ClinVar:

ClinVar aggregate classification (germline): Likely benign (0 of 4 stars; one submission).

Conditions:
DAO-related disorder. Also called: DAO-related condition.

Allele frequency attached by ClinVar (database versions not stated): gnomAD 0.00011; TOPMed 0.00013; ExAC 0.00018; gnomAD exomes 0.00019; ESP Exome Variant Server 0.00031.

Submission:

PreventionGenetics, part of Exact Sciences
Classification: Likely benign for DAO-related condition. Last evaluated: 2023-02-22. Review status: no assertion criteria provided. Collection method: clinical testing. Allele origin: germline.
Comment: This variant is classified as likely benign based on ACMG/AMP sequence variant interpretation guidelines (Richards et al. 2015 PMID: 25741868, with internal and published modifications).

NM_001917.5(DAO):c.848G>A (p.Arg283Gln)

Gene: DAO (D-amino acid oxidase; plus strand). Cytogenetic location: 12q24.11.
Variant type: single nucleotide variant.
Coding change: c.848G>A on transcript NM_001917.5 (MANE Select); coding-DNA position 848, G replaced by A.
Protein change: p.Arg283Gln; replaces arginine 283 with glutamine.
Molecular consequence: missense variant.
Genome position (GRCh38, 1-based): chr12:108,899,411, G>A. VCF-style: chr12-108899411-G-A. GRCh37 (hg19) VCF-style: chr12-109293187-G-A.
Other names: c.848G>A, p.Arg283Gln (NM_001413634.1); c.730G>A, p.Gly244Ser (NM_001413635.1); short protein forms G244S, R283Q.
Identifiers: ClinVar variation 3047035 (VCV003047035.2), dbSNP rs143550642, ClinGen allele CA6771262.